The following is an entry in ClinVar:

NM_018706.7(DHTKD1):c.863C>T (p.Ser288Leu)

Gene: DHTKD1 (dehydrogenase E1 and transketolase domain containing 1; plus strand). Cytogenetic location: 10p14.
Variant type: single nucleotide variant.
Coding change: c.863C>T on transcript NM_018706.7 (MANE Select); coding-DNA position 863, C replaced by T.
Protein change: p.Ser288Leu; replaces serine 288 with leucine.
Molecular consequence: missense variant.
Genome position (GRCh38, 1-based): chr10:12,089,131, C>T. VCF-style: chr10-12089131-C-T. GRCh37 (hg19) VCF-style: chr10-12131130-C-T.
Other names: short protein forms S288L.
Identifiers: ClinVar variation 1462324 (VCV001462324.6), dbSNP rs201310721, ClinGen allele CA5407669.

ClinVar aggregate classification (germline): Uncertain significance (1 of 4 stars; one submission).

Conditions:
2-aminoadipic 2-oxoadipic aciduria (AAKAD). Also called: ALPHA-AMINOADIPIC AND ALPHA-KETOADIPIC ACIDURIA; Aminoadipic aciduria. Identifiers: Orphanet 79154, MedGen C1859817, MONDO:0008774, OMIM 204750.

Allele frequency attached by ClinVar (database versions not stated): gnomAD exomes 0.00001 and 0.00003; ExAC 0.00003; gnomAD 0.00006; TOPMed 0.00007.
gnomAD v4.1: 30 of 1,614,076 alleles (0.0019%); highest among the groups gnomAD compares: African/African-American, 0.019%; no homozygotes.

Submission:

Labcorp Genetics (formerly Invitae), Labcorp
Classification: Uncertain significance for 2-aminoadipic 2-oxoadipic aciduria. Last evaluated: 2026-01-05. Review status: criteria provided, single submitter. Criteria: Invitae Variant Classification Sherloc (09022015). Collection method: clinical testing. Allele origin: germline.
Comment: This sequence change replaces serine, which is neutral and polar, with leucine, which is neutral and non-polar, at codon 288 of the DHTKD1 protein (p.Ser288Leu). This variant is present in population databases (rs201310721, gnomAD 0.01%). This variant has not been reported in the literature in individuals affected with DHTKD1-related conditions. ClinVar contains an entry for this variant (Variation ID: 1462324). Invitae Evidence Modeling of protein sequence and biophysical properties (such as structural, functional, and spatial information, amino acid conservation, physicochemical variation, residue mobility, and thermodynamic stability) indicates that this missense variant is expected to disrupt DHTKD1 protein function with a positive predictive value of 80%. In summary, the available evidence is currently insufficient to determine the role of this variant in disease. Therefore, it has been classified as a Variant of Uncertain Significance.